The following is an entry in ClinVar:

ClinVar aggregate classification (germline): Uncertain significance (1 of 4 stars; one submission).

Submission:

GeneDx
Classification: Uncertain significance. Last evaluated: 2023-12-12. Review status: criteria provided, single submitter. Criteria: GeneDx Variant Classification Process June 2021. Collection method: clinical testing. Allele origin: germline. Affected: yes.
Comment: Frameshift variant predicted to result in protein truncation or nonsense mediated decay in a gene or region of a gene for which loss of function is not a well-established mechanism of disease; Not observed at significant frequency in large population cohorts (gnomAD); Has not been previously published as pathogenic or benign to our knowledge

NM_006828.4(ASCC3):c.1761dup (p.Trp588fs)

Gene: ASCC3 (activating signal cointegrator 1 complex subunit 3; minus strand). Cytogenetic location: 6q16.3.
Variant type: Duplication.
Coding change: c.1761dup on transcript NM_006828.4 (MANE Select); coding-DNA position 1761, one base duplicated (A; older notation c.1761dupA).
Protein change: p.Trp588fs; shifts the reading frame from tryptophan 588.
Molecular consequence: frameshift variant.
Genome position (GRCh38, 1-based): chr6:100,725,680, T duplicated on the plus strand (A on the coding strand, the reverse complement: ASCC3 is on the minus strand); the first of 5 consecutive T bases (chr6:100,725,680-100,725,684); duplicating any one gives the same sequence. VCF-style (leftmost placement, unchanged base first): chr6-100725679-A-AT. GRCh37 (hg19) VCF-style: chr6-101173555-A-AT.
Other names: c.1761dup, p.Trp588fs (NM_001284271.2); short protein forms W588fs.
Identifiers: ClinVar variation 3365511 (VCV003365511.1).